The following is an entry in ClinVar:

ClinVar aggregate classification (germline): Uncertain significance (1 of 4 stars; one submission).

Allele frequency attached by ClinVar (database versions not stated): gnomAD 0.00001; TOPMed 0.00002.
gnomAD v4.1: 12 of 1,612,874 alleles (0.00074%); highest among the groups gnomAD compares: Admixed American, 0.0033%; no homozygotes.

Submission:

Labcorp Genetics (formerly Invitae), Labcorp
Classification: Uncertain significance. Last evaluated: 2023-07-27. Review status: criteria provided, single submitter. Criteria: Invitae Variant Classification Sherloc (09022015). Collection method: clinical testing. Allele origin: germline.
Comment: In summary, the available evidence is currently insufficient to determine the role of this variant in disease. Therefore, it has been classified as a Variant of Uncertain Significance. Advanced modeling of protein sequence and biophysical properties (such as structural, functional, and spatial information, amino acid conservation, physicochemical variation, residue mobility, and thermodynamic stability) has been performed at Invitae for this missense variant, however the output from this modeling did not meet the statistical confidence thresholds required to predict the impact of this variant on ITPR1 protein function. This variant has not been reported in the literature in individuals affected with ITPR1-related conditions. This variant is present in population databases (rs774354674, gnomAD 0.003%). This sequence change replaces glycine, which is neutral and non-polar, with serine, which is neutral and polar, at codon 1289 of the ITPR1 protein (p.Gly1289Ser).

NM_001378452.1(ITPR1):c.3937G>A (p.Gly1313Ser)

Gene: ITPR1 (inositol 1,4,5-trisphosphate receptor type 1; plus strand). Cytogenetic location: 3p26.1.
Variant type: single nucleotide variant.
Coding change: c.3937G>A on transcript NM_001378452.1 (MANE Select); coding-DNA position 3937, G replaced by A.
Protein change: p.Gly1313Ser; replaces glycine 1313 with serine.
Molecular consequence: missense variant.
Genome position (GRCh38, 1-based): chr3:4,691,252, G>A. VCF-style: chr3-4691252-G-A. GRCh37 (hg19) VCF-style: chr3-4732936-G-A.
Other names: c.3910G>A, p.Gly1304Ser (NM_001099952.4); c.3892G>A, p.Gly1298Ser (NM_001168272.2); c.3865G>A, p.Gly1289Ser (NM_002222.7); short protein forms G1289S, G1298S, G1313S, G1304S.
Identifiers: ClinVar variation 3016389 (VCV003016389.3), dbSNP rs774354674, ClinGen allele CA2231847.